The following is an entry in ClinVar:

NM_020458.4(TTC7A):c.295A>G (p.Met99Val)

Gene: TTC7A (tetratricopeptide repeat domain 7A; plus strand). Cytogenetic location: 2p21.
Variant type: single nucleotide variant.
Coding change: c.295A>G on transcript NM_020458.4 (MANE Select); coding-DNA position 295, A replaced by G.
Protein change: p.Met99Val; replaces methionine 99 with valine.
Molecular consequence: missense variant. On other transcripts: 5 prime UTR variant (1).
Genome position (GRCh38, 1-based): chr2:46,950,473, A>G. VCF-style: chr2-46950473-A-G. GRCh37 (hg19) VCF-style: chr2-47177612-A-G.
Other names: c.295A>G, p.Met99Val (NM_001288951.2); c.193A>G, p.Met65Val (NM_001288953.2); c.-610A>G (NM_001288955.2); short protein forms M65V, M99V.
Identifiers: ClinVar variation 1693515 (VCV001693515.6), dbSNP rs748068913, ClinGen allele CA1647080.

ClinVar aggregate classification (germline): Uncertain significance. Review status: criteria provided, single submitter (1 of 4 stars). 2 submissions from 2 submitters: Uncertain significance (1). 1 of the submissions does not count toward it. Last evaluated 2022-10-17.

Conditions:
Gastrointestinal defects and immunodeficiency syndrome 1 (GIDID1). Also called: Combined immunodeficiency-enteropathy spectrum. Identifiers: Orphanet 436252, MedGen C5968858, MONDO:0800030, OMIM 243150.
Multiple gastrointestinal atresias. Also called: FAMILIAL INTESTINAL POLYATRESIA SYNDROME; Multiple intestinal atresia. Identifiers: Orphanet 2300, MedGen C0220744, MONDO:0009465.

Allele frequency attached by ClinVar (database versions not stated): gnomAD exomes below 0.00001; TOPMed below 0.00001; ExAC 0.00001.

Submissions (2):

Labcorp Genetics (formerly Invitae), Labcorp
Classification: Uncertain significance for Multiple gastrointestinal atresias. Last evaluated: 2022-10-17. Review status: criteria provided, single submitter. Criteria: Invitae Variant Classification Sherloc (09022015). Collection method: clinical testing. Allele origin: germline.
Comment: ClinVar contains an entry for this variant (Variation ID: 1693515). This missense change has been observed in individual(s) with TTC7A-related conditions (PMID: 35627206). This variant is present in population databases (rs748068913, gnomAD 0.003%). This sequence change replaces methionine, which is neutral and non-polar, with valine, which is neutral and non-polar, at codon 99 of the TTC7A protein (p.Met99Val). Advanced modeling of protein sequence and biophysical properties (such as structural, functional, and spatial information, amino acid conservation, physicochemical variation, residue mobility, and thermodynamic stability) performed at Invitae indicates that this missense variant is not expected to disrupt TTC7A protein function. In summary, the available evidence is currently insufficient to determine the role of this variant in disease. Therefore, it has been classified as a Variant of Uncertain Significance. Algorithms developed to predict the effect of sequence changes on RNA splicing suggest that this variant may disrupt the consensus splice site.

OMIM
Classification: Pathogenic for GASTROINTESTINAL DEFECTS AND IMMUNODEFICIENCY SYNDROME 1. Last evaluated: 2022-07-01. Review status: no assertion criteria provided. Collection method: literature only. Allele origin: germline. Not counted in ClinVar's aggregate classification.

Literature cited by the submitters: PubMed 35627206 (cited by Labcorp Genetics (formerly Invitae), Labcorp and OMIM).